The following is an entry in ClinVar:

ClinVar aggregate classification (germline): Pathogenic. Review status: criteria provided, multiple submitters, no conflicts (2 of 4 stars). 7 submissions from 7 submitters: Pathogenic (5). 2 of the submissions do not count toward it. Last evaluated 2025-07-08.

Conditions:
PDE6B-related disorder. Also called: PDE6B-related disorders; PDE6B-related disease; PDE6B-related condition.
Retinitis pigmentosa (RP). Identifiers: Orphanet 791, MedGen C0035334, MeSH D012174, MONDO:0019200, OMIM 268000. Inheritance: Autosomal dominant, autosomal recessive and X linked inheritance.
Retinitis pigmentosa 40 (RP40). Identifiers: Orphanet 791, MedGen C3151107, MONDO:0013429, OMIM 613801.
Retinal dystrophy. Also called: Inherited retinal dystrophy. Identifiers: Orphanet 71862, MedGen C0854723, MeSH D058499, MONDO:0019118, HP:0000556.

Allele frequency attached by ClinVar (database versions not stated): gnomAD exomes 0.00002 and 0.00003; ExAC 0.00010.
gnomAD v4.1: 22 of 1,582,082 alleles (0.0014%); highest among the groups gnomAD compares: East Asian, 0.051%; no homozygotes.

Submissions (7):

3billion
Classification: Pathogenic for Retinitis pigmentosa 40. Last evaluated: 2025-07-08. Review status: criteria provided, single submitter. Criteria: ACMG Guidelines, 2015. Collection method: clinical testing. Allele origin: germline. Affected: yes.
Comment: The variant is observed at an extremely low frequency in the gnomAD v4.1.0 dataset (total allele frequency: 0.002%). Predicted Consequence/Location: Missense variant In silico tool predictions suggest damaging effect of the variant on gene or gene product [REVEL: 0.99 (>=0.6, sensitivity 0.68 and specificity 0.92); 3Cnet: 0.99 (> 0.75, sensitivity 0.96 and precision 0.92)]. The same nucleotide change resulting in the same amino acid change has been previously reported as pathogenic/likely pathogenic with strong evidence (ClinVar ID: VCV000013106 /PMID: 7724547 /3billion dataset). No sentences The variant has been reported to be in trans with a pathogenic variant as either compound heterozygous or homozygous in at least one similarly affected unrelated individual (PMID: 25827439, 26155838). A different missense change at the same codon (p.His557Arg) has been reported as pathogenic/likely pathogenic with strong evidence (ClinVar ID: VCV000636186 /PMID: 30718709 /3billion dataset). Therefore, this variant is classified as Pathogenic according to the recommendation of ACMG/AMP guideline.

Revvity Omics, Revvity
Classification: Pathogenic. Last evaluated: 2024-08-23. Review status: criteria provided, single submitter. Criteria: ACMG Guidelines, 2015. Collection method: clinical testing. Allele origin: germline.

Labcorp Genetics (formerly Invitae), Labcorp
Classification: Pathogenic. Last evaluated: 2023-10-20. Review status: criteria provided, single submitter. Criteria: Invitae Variant Classification Sherloc (09022015). Collection method: clinical testing. Allele origin: germline.
Comment: This sequence change replaces histidine, which is basic and polar, with tyrosine, which is neutral and polar, at codon 557 of the PDE6B protein (p.His557Tyr). This variant is present in population databases (rs121918581, gnomAD 0.04%). This missense change has been observed in individual(s) with inherited retinal dystrophy and/or retinitis pigmentosa (PMID: 25356976, 25827439, 29785639). In at least one individual the data is consistent with being in trans (on the opposite chromosome) from a pathogenic variant. It has also been observed to segregate with disease in related individuals. ClinVar contains an entry for this variant (Variation ID: 13106). Advanced modeling of protein sequence and biophysical properties (such as structural, functional, and spatial information, amino acid conservation, physicochemical variation, residue mobility, and thermodynamic stability) performed at Invitae indicates that this missense variant is expected to disrupt PDE6B protein function. For these reasons, this variant has been classified as Pathogenic.

Dept Of Ophthalmology, Nagoya University
Classification: Pathogenic for Retinal dystrophy. Last evaluated: 2023-10-01. Review status: criteria provided, single submitter. Criteria: Submitter's publication. Collection method: research. Allele origin: germline. Affected: yes.

Blueprint Genetics
Classification: Pathogenic for PDE6B-related disorders. Last evaluated: 2022-11-09. Review status: criteria provided, single submitter. Criteria: ACMG Guidelines, 2015. Collection method: clinical testing. Allele origin: germline. Affected: yes. Observed: 5 variant alleles.

OMIM
Classification: Pathogenic for RETINITIS PIGMENTOSA 40. Last evaluated: 1993-06-01. Review status: no assertion criteria provided. Collection method: literature only. Allele origin: germline. Not counted in ClinVar's aggregate classification.

Department of Ophthalmology and Visual Sciences Kyoto University
Classification: Pathogenic for Retinitis pigmentosa. Review status: no assertion criteria provided. Collection method: not provided. Allele origin: unknown. Not counted in ClinVar's aggregate classification.
ClinVar note: Converted during submission from pathogenic to Pathogenic.

Literature cited by the submitters: PubMed 25827439 (cited by 3billion and Labcorp Genetics (formerly Invitae), Labcorp); PubMed 30718709 (cited by 3billion); PubMed 7724547 (cited by 3billion); PubMed 26155838 (cited by 3billion); PubMed 25356976 (cited by Labcorp Genetics (formerly Invitae), Labcorp); PubMed 29785639 (cited by Labcorp Genetics (formerly Invitae), Labcorp); PubMed 8394174 (cited by OMIM).

NM_000283.4(PDE6B):c.1669C>T (p.His557Tyr)

Gene: PDE6B (phosphodiesterase 6B; plus strand). Cytogenetic location: 4p16.3.
Variant type: single nucleotide variant.
Coding change: c.1669C>T on transcript NM_000283.4 (MANE Select); coding-DNA position 1669, C replaced by T.
Protein change: p.His557Tyr; replaces histidine 557 with tyrosine.
Molecular consequence: missense variant.
Genome position (GRCh38, 1-based): chr4:662,188, C>T. VCF-style: chr4-662188-C-T. GRCh37 (hg19) VCF-style: chr4-655977-C-T.
Other names: c.1669C>T, p.His557Tyr (NM_001145291.2); c.832C>T, p.His278Tyr (NM_001145292.2, NM_001350154.3, NM_001379246.1 and 1 more transcripts); c.514C>T, p.His172Tyr (NM_001350155.3); short protein forms H557Y, H172Y, H278Y.
Identifiers: ClinVar variation 13106 (VCV000013106.14), dbSNP rs121918581, ClinGen allele CA256720.
Genomic context (GRCh38, chr4:662,188, plus strand): 5'-CCCCAGGTCCTGGTGCGGTTCCTGTTCTCCATCAGCAAAGGGTACCGGAGAATCACCTAC[C>T]ACAACTGGCGCCACGGCTTCAACGTGGCCCAGACGATGTTCACGCTGCTCATGGTACGTG-3'
Protein context (NP_000274.3, residues 547-567): ISKGYRRITY[His557Tyr]NWRHGFNVAQ